The following is an entry in ClinVar:

ClinVar aggregate classification (germline): Likely pathogenic (1 of 4 stars; one submission).

Conditions:
Propionic acidemia (PROP). Also called: GLYCINEMIA, KETOTIC; HYPERGLYCINEMIA WITH KETOACIDOSIS AND LEUKOPENIA; KETOTIC HYPERGLYCINEMIA. Identifiers: Orphanet 35, MedGen C0268579, MONDO:0011628, OMIM 606054, HP:0003571.

Submission:

Labcorp Genetics (formerly Invitae), Labcorp
Classification: Likely pathogenic for Propionic acidemia. Last evaluated: 2025-09-22. Review status: criteria provided, single submitter. Criteria: Invitae Variant Classification Sherloc (09022015). Collection method: clinical testing. Allele origin: germline.
Comment: This variant results in the deletion of part of exon 4 (c.298_300+6del ) of the PCCA gene. It is expected to disrupt RNA splicing. Variants that disrupt the donor or acceptor splice site typically lead to a loss of protein function (PMID: 16199547), and loss-of-function variants in PCCA are known to be pathogenic (PMID: 15464417). This variant is not present in population databases (gnomAD no frequency). This variant has not been reported in the literature in individuals affected with PCCA-related conditions. In summary, the currently available evidence indicates that the variant is pathogenic, but additional data are needed to prove that conclusively. Therefore, this variant has been classified as Likely Pathogenic.

Literature cited by the submitters: PubMed 16199547; PubMed 15464417.

NM_000282.4(PCCA):c.298_300+6del

Gene: PCCA (propionyl-CoA carboxylase subunit alpha; plus strand). Cytogenetic location: 13q32.3.
Variant type: Deletion.
Coding change: c.298_300+6del on transcript NM_000282.4 (MANE Select); coding-DNA position 298 through 6 bases into the intron after coding-DNA position 300, 9 bases deleted (TCTGTAAGT; older notation c.298_300+6delTCTGTAAGT).
Molecular consequence: splice donor variant.
Genome position (GRCh38, 1-based): chr13:100,112,059-100,112,067, TCTGTAAGT deleted; deleting any 9 consecutive bases within chr13:100,112,056-100,112,067 gives the same sequence; the c. name uses the placement nearest the transcript's 3' end. VCF-style (leftmost placement, unchanged base first): chr13-100112055-TAGTTCTGTA-T. GRCh37 (hg19) VCF-style: chr13-100764309-TAGTTCTGTA-T.
Other names: c.298_300+6del (NM_001178004.2, NM_001352605.2, NM_001352606.2 and 1 more transcripts); c.-569_-567+6del (NM_001352610.2, NM_001352611.2, NM_001352612.2); c.220_222+6del (NM_001127692.3, NM_001352607.2, NM_001352608.2).
Identifiers: ClinVar variation 4727619 (VCV004727619.1).